The following is an entry in ClinVar:

ClinVar aggregate classification (germline): Pathogenic (1 of 4 stars; one submission).

Conditions:
Charcot-Marie-Tooth disease type 4. Also called: Charcot-Marie-Tooth disease, type IV; Charcot-Marie-Tooth, Type 4. Identifiers: Orphanet 64749, MedGen C4082197, MONDO:0018995.

Submission:

Labcorp Genetics (formerly Invitae), Labcorp
Classification: Pathogenic for Charcot-Marie-Tooth disease type 4. Last evaluated: 2023-09-01. Review status: criteria provided, single submitter. Criteria: Invitae Variant Classification Sherloc (09022015). Collection method: clinical testing. Allele origin: germline.
Comment: This variant is not present in population databases (gnomAD no frequency). This sequence change creates a premature translational stop signal (p.His409Glnfs*25) in the FIG4 gene. It is expected to result in an absent or disrupted protein product. Loss-of-function variants in FIG4 are known to be pathogenic (PMID: 23623387, 30740813). This variant has not been reported in the literature in individuals affected with FIG4-related conditions. For these reasons, this variant has been classified as Pathogenic.

Literature cited by the submitters: PubMed 23623387; PubMed 30740813.

NM_014845.6(FIG4):c.1227del (p.His409fs)

Gene: FIG4 (FIG4 phosphoinositide 5-phosphatase; plus strand). Cytogenetic location: 6q21.
Variant type: Deletion.
Coding change: c.1227del on transcript NM_014845.6 (MANE Select); coding-DNA position 1227, one base deleted (C; older notation c.1227delC).
Protein change: p.His409fs; shifts the reading frame from histidine 409.
Molecular consequence: frameshift variant.
Genome position (GRCh38, 1-based): chr6:109,760,339, C deleted. VCF-style (leftmost placement, unchanged base first): chr6-109760338-AC-A. GRCh37 (hg19) VCF-style: chr6-110081541-AC-A.
Other names: short protein forms H409fs.
Identifiers: ClinVar variation 2757316 (VCV002757316.3), dbSNP rs2486171698, ClinGen allele CA2697553641.